The following is an entry in ClinVar:

ClinVar aggregate classification (germline): Uncertain significance (1 of 4 stars; one submission).

Conditions:
Cardiovascular phenotype. Identifiers: MedGen CN230736.

Allele frequency attached by ClinVar (database versions not stated): gnomAD exomes below 0.00001; ExAC 0.00001; TOPMed 0.00002; ESP Exome Variant Server 0.00008.
gnomAD v4.1: 1 of 1,613,974 alleles (0.000062%); highest among the groups gnomAD compares: Non-Finnish European, 0.000085%; no homozygotes.

Submission:

Ambry Genetics
Classification: Uncertain significance for Cardiovascular phenotype. Last evaluated: 2023-12-20. Review status: criteria provided, single submitter. Criteria: Ambry Variant Classification Scheme 2023. Collection method: clinical testing. Allele origin: germline.
Comment: The p.A155V variant (also known as c.464C>T), located in coding exon 4 of the MYOZ2 gene, results from a C to T substitution at nucleotide position 464. The alanine at codon 155 is replaced by valine, an amino acid with similar properties. This amino acid position is conserved. In addition, the in silico prediction for this alteration is inconclusive. Since supporting evidence is limited at this time, the clinical significance of this alteration remains unclear.

NM_016599.5(MYOZ2):c.464C>T (p.Ala155Val)

Gene: MYOZ2 (myozenin 2; plus strand). Cytogenetic location: 4q26.
Variant type: single nucleotide variant.
Coding change: c.464C>T on transcript NM_016599.5 (MANE Select); coding-DNA position 464, C replaced by T.
Protein change: p.Ala155Val; replaces alanine 155 with valine.
Molecular consequence: missense variant.
Genome position (GRCh38, 1-based): chr4:119,164,298, C>T. VCF-style: chr4-119164298-C-T. GRCh37 (hg19) VCF-style: chr4-120085453-C-T.
Other names: short protein forms A155V.
Identifiers: ClinVar variation 3226915 (VCV003226915.1), dbSNP rs137878426, ClinGen allele CA3058646.